The following is an entry in ClinVar:

ClinVar aggregate classification (germline): Uncertain significance (1 of 4 stars; one submission).

Conditions:
Inborn genetic diseases. Identifiers: MedGen C0950123, MeSH D030342.

Submission:

Ambry Genetics
Classification: Uncertain significance for Inborn genetic diseases. Last evaluated: 2026-06-08. Review status: criteria provided, single submitter. Criteria: Ambry Variant Classification Scheme 2023. Collection method: clinical testing. Allele origin: germline.
Comment: The c.43T>G (p.S15A) alteration is located in exon 1 (coding exon 1) of the KMT2B gene. This alteration results from a T to G substitution at nucleotide position 43, causing the serine (S) at amino acid position 15 to be replaced by an alanine (A). This variant was not reported in population-based cohorts in the Genome Aggregation Database (gnomAD). This amino acid position is well conserved in available vertebrate species. This alteration is predicted to be tolerated by in silico analysis. Based on insufficient or conflicting evidence, the clinical significance of this alteration remains unclear.

NM_014727.3(KMT2B):c.43T>G (p.Ser15Ala)

Gene: KMT2B (lysine methyltransferase 2B; plus strand). Cytogenetic location: 19q13.12.
Variant type: single nucleotide variant.
Coding change: c.43T>G on transcript NM_014727.3 (MANE Select); coding-DNA position 43, T replaced by G.
Protein change: p.Ser15Ala; replaces serine 15 with alanine.
Molecular consequence: missense variant.
Genome position (GRCh38, 1-based): chr19:35,718,061, T>G. VCF-style: chr19-35718061-T-G. GRCh37 (hg19) VCF-style: chr19-36208963-T-G.
Other names: short protein forms S15A.
Identifiers: ClinVar variation 4858976 (VCV004858976.1).
Genomic context (GRCh38, chr19:35,718,061, plus strand): 5'-CCCTCTCACGGTGCCAAGATGGCGGCGGCGGCGGGCGGCGGCAGTTGCCCCGGGCCTGGC[T>G]CCGCGCGGGGCCGCTTCCCGGGCCGGCCGCGGGGCGCCGGCGGGGGCGGGGGCCGCGGCG-3'
Protein context (NP_055542.1, residues 5-25): AGGGSCPGPG[Ser15Ala]ARGRFPGRPR